The following is an entry in ClinVar:

NM_177438.3(DICER1):c.2799T>G (p.Ile933Met)

Gene: DICER1 (dicer 1, ribonuclease III; minus strand). Cytogenetic location: 14q32.13.
Variant type: single nucleotide variant.
Coding change: c.2799T>G on transcript NM_177438.3 (MANE Select); coding-DNA position 2799, T replaced by G.
Protein change: p.Ile933Met; replaces isoleucine 933 with methionine.
Molecular consequence: missense variant. On other transcripts: non-coding transcript variant (6).
Genome position (GRCh38, 1-based): chr14:95,107,613, A>C on the plus strand (T>G on the coding strand, the complement: DICER1 is on the minus strand). VCF-style: chr14-95107613-A-C. GRCh37 (hg19) VCF-style: chr14-95573950-A-C.
Other names: c.2799T>G, p.Ile933Met (NM_001195573.1, NM_001271282.3, NM_001291628.2 and 12 more transcripts); c.2517T>G, p.Ile839Met (NM_001395686.1); c.2394T>G, p.Ile798Met (NM_001395687.1, NM_001395688.1, NM_001395689.1 and 2 more transcripts); c.2232T>G, p.Ile744Met (NM_001395691.1); c.1116T>G, p.Ile372Met (NM_001395697.1); short protein forms I372M, I798M, I933M, I744M, I839M.
Identifiers: ClinVar variation 4636716 (VCV004636716.1).

ClinVar aggregate classification (germline): Uncertain significance (1 of 4 stars; one submission).

Conditions:
Hereditary cancer-predisposing syndrome. Also called: Neoplastic Syndromes, Hereditary; Tumor predisposition; Hereditary Cancer Syndrome; Hereditary neoplastic syndrome. Identifiers: Orphanet 140162, MedGen C0027672, MeSH D009386, MONDO:0015356.

gnomAD v4.1: 1 of 1,613,916 alleles (0.000062%); highest among the groups gnomAD compares: Non-Finnish European, 0.000085%; no homozygotes.

Submission:

Ambry Genetics
Classification: Uncertain significance for Hereditary cancer-predisposing syndrome. Last evaluated: 2025-10-21. Review status: criteria provided, single submitter. Criteria: Ambry Variant Classification Scheme 2023. Collection method: clinical testing. Allele origin: germline.
Comment: The p.I933M variant (also known as c.2799T>G), located in coding exon 16 of the DICER1 gene, results from a T to G substitution at nucleotide position 2799. The isoleucine at codon 933 is replaced by methionine, an amino acid with highly similar properties. This amino acid position is highly conserved in available vertebrate species. In addition, this alteration is predicted to be tolerated by in silico analysis. Based on the available evidence, the clinical significance of this variant remains unclear.